The following is an entry in ClinVar:

NM_024312.5(GNPTAB):c.184G>T (p.Gly62Ter)

Gene: GNPTAB (N-acetylglucosamine-1-phosphate transferase subunits alpha and beta; minus strand). Cytogenetic location: 12q23.2.
Variant type: single nucleotide variant.
Coding change: c.184G>T on transcript NM_024312.5 (MANE Select); coding-DNA position 184, G replaced by T.
Protein change: p.Gly62Ter; replaces glycine 62 with a stop codon.
Molecular consequence: nonsense.
Genome position (GRCh38, 1-based): chr12:101,796,696, C>A on the plus strand (G>T on the coding strand, the complement: GNPTAB is on the minus strand). VCF-style: chr12-101796696-C-A. GRCh37 (hg19) VCF-style: chr12-102190474-C-A.
Other names: short protein forms G62*.
Identifiers: ClinVar variation 984351 (VCV000984351.4), dbSNP rs1869312458, ClinGen allele CA386305681.

ClinVar aggregate classification (germline): Likely pathogenic (1 of 4 stars; one submission).

Conditions:
GNPTAB-mucolipidosis. Also called: UDP-N-acetylglucosamine-1-phosphotransferase subunit alpha/beta deficiency. Identifiers: MedGen CN322573, MONDO:0100122.

Submission:

Myriad Genetics, Inc.
Classification: Likely pathogenic for GNPTAB-mucolipidosis. Last evaluated: 2019-05-02. Review status: criteria provided, single submitter. Criteria: Myriad Autosomal Dominant, Autosomal Recessive and X-Linked Classification Criteria (2023). Collection method: clinical testing. Allele origin: unknown.
Comment: NM_024312.4(GNPTAB):c.184G>T(G62*) is expected to be pathogenic in the context of GNPTAB-related disorders. This variant is predicted to lead to an abnormal or absent protein product due to the creation of a premature termination codon in GNPTAB, a gene where loss-of-function variants are known to be pathogenic. Please note: this variant was assessed in the context of healthy population screening.